The following is an entry in ClinVar:

NM_020184.4(CNNM4):c.158G>A (p.Ser53Asn)

Gene: CNNM4 (cyclin and CBS domain divalent metal cation transport mediator 4; plus strand). Cytogenetic location: 2q11.2.
Variant type: single nucleotide variant.
Coding change: c.158G>A on transcript NM_020184.4 (MANE Select); coding-DNA position 158, G replaced by A.
Protein change: p.Ser53Asn; replaces serine 53 with asparagine.
Molecular consequence: missense variant.
Genome position (GRCh38, 1-based): chr2:96,761,157, G>A. VCF-style: chr2-96761157-G-A. GRCh37 (hg19) VCF-style: chr2-97426894-G-A.
Other names: short protein forms S53N.
Identifiers: ClinVar variation 2001435 (VCV002001435.4), dbSNP rs2469450852, ClinGen allele CA347711212.

ClinVar aggregate classification (germline): Uncertain significance (1 of 4 stars; one submission).

Allele frequency attached by ClinVar (database versions not stated): gnomAD exomes below 0.00001.
gnomAD v4.1: 1 of 1,608,966 alleles (0.000062%); highest among the groups gnomAD compares: South Asian, 0.0011%; no homozygotes.

Submission:

Labcorp Genetics (formerly Invitae), Labcorp
Classification: Uncertain significance. Last evaluated: 2022-05-31. Review status: criteria provided, single submitter. Criteria: Invitae Variant Classification Sherloc (09022015). Collection method: clinical testing. Allele origin: germline.
Comment: This variant has not been reported in the literature in individuals affected with CNNM4-related conditions. This sequence change replaces serine, which is neutral and polar, with asparagine, which is neutral and polar, at codon 53 of the CNNM4 protein (p.Ser53Asn). This variant is not present in population databases (gnomAD no frequency). Algorithms developed to predict the effect of missense changes on protein structure and function (SIFT, PolyPhen-2, Align-GVGD) all suggest that this variant is likely to be tolerated. In summary, the available evidence is currently insufficient to determine the role of this variant in disease. Therefore, it has been classified as a Variant of Uncertain Significance.